The following is an entry in ClinVar:

NM_003482.4(KMT2D):c.6710A>C (p.Gln2237Pro)

Gene: KMT2D (lysine methyltransferase 2D; minus strand). Cytogenetic location: 12q13.12.
Variant type: single nucleotide variant.
Coding change: c.6710A>C on transcript NM_003482.4 (MANE Select); coding-DNA position 6710, A replaced by C.
Protein change: p.Gln2237Pro; replaces glutamine 2237 with proline.
Molecular consequence: missense variant.
Genome position (GRCh38, 1-based): chr12:49,041,060, T>G on the plus strand (A>C on the coding strand, the complement: KMT2D is on the minus strand). VCF-style: chr12-49041060-T-G. GRCh37 (hg19) VCF-style: chr12-49434843-T-G.
Other names: short protein forms Q2237P.
Identifiers: ClinVar variation 2729136 (VCV002729136.3), dbSNP rs2498401310, ClinGen allele CA384749954.

ClinVar aggregate classification (germline): Uncertain significance (1 of 4 stars; one submission).

Conditions:
Kabuki syndrome. Also called: NIIKAWA-KUROKI SYNDROME; Kabuki make-up syndrome. Identifiers: Orphanet 2322, MedGen C0796004, MONDO:0016512.

Allele frequency attached by ClinVar (database versions not stated): gnomAD exomes below 0.00001.
gnomAD v4.1: 2 of 1,542,494 alleles (0.00013%); highest among the groups gnomAD compares: Non-Finnish European, 0.00017%; no homozygotes.

Submission:

Labcorp Genetics (formerly Invitae), Labcorp
Classification: Uncertain significance for Kabuki syndrome. Last evaluated: 2025-01-27. Review status: criteria provided, single submitter. Criteria: Invitae Variant Classification Sherloc (09022015). Collection method: clinical testing. Allele origin: germline.
Comment: This sequence change replaces glutamine, which is neutral and polar, with proline, which is neutral and non-polar, at codon 2237 of the KMT2D protein (p.Gln2237Pro). This variant is not present in population databases (gnomAD no frequency). This variant has not been reported in the literature in individuals affected with KMT2D-related conditions. ClinVar contains an entry for this variant (Variation ID: 2729136). Invitae Evidence Modeling of protein sequence and biophysical properties (such as structural, functional, and spatial information, amino acid conservation, physicochemical variation, residue mobility, and thermodynamic stability) indicates that this missense variant is not expected to disrupt KMT2D protein function with a negative predictive value of 95%. In summary, the available evidence is currently insufficient to determine the role of this variant in disease. Therefore, it has been classified as a Variant of Uncertain Significance.